The following is an entry in ClinVar:

NM_005559.4(LAMA1):c.8208_8214delinsT (p.Lys2736_Ser2738delinsAsn)

Gene: LAMA1 (laminin subunit alpha 1; minus strand). Cytogenetic location: 18p11.31.
Variant type: Indel.
Coding change: c.8208_8214delinsT on transcript NM_005559.4 (MANE Select); coding-DNA positions 8208 to 8214, GCTCTCG replaced by T.
Protein change: p.Lys2736_Ser2738delinsAsn.
Molecular consequence: inframe indel.
Genome position (GRCh38, 1-based): chr18:6,950,965-6,950,971, CGAGAGC replaced by A on the plus strand (GCTCTCG replaced by T on the coding strand, the reverse complement: LAMA1 is on the minus strand). VCF-style: chr18-6950965-CGAGAGC-A. GRCh37 (hg19) VCF-style: chr18-6950964-CGAGAGC-A.
Other names: c.8208_8214delGCTCTCGinsT (NM_005559.4).
Identifiers: ClinVar variation 983534 (VCV000983534.3), dbSNP rs2057544094, ClinGen allele CA1139665953.
Genomic context (GRCh38, chr18:6,950,965, plus strand): 5'-CTGATGAGCCATGTAGTAAATCAGGCCGCTGGAGGCGAACGTGCGGATGCTTAGCTCAAC[CGAGAGC>A]CTGGGGAAAACAAGTGCTCAGCGTTGAGAAAGGAAACTTTTACTTTTCATTTTTAAAACC-3'

ClinVar aggregate classification (germline): Likely pathogenic (1 of 4 stars; one submission).

Conditions:
Ataxia - intellectual disability - oculomotor apraxia - cerebellar cysts syndrome. Also called: Poretti-Boltshauser syndrome. Identifiers: Orphanet 370022, MedGen C4014821, MONDO:0014419, OMIM 615960.

Submission:

Institute for Genomic Statistics and Bioinformatics, University Hospital Bonn
Classification: Likely pathogenic for Ataxia - intellectual disability - oculomotor apraxia - cerebellar cysts syndrome. Review status: criteria provided, single submitter. Criteria: ACMG Guidelines, 2015. Collection method: clinical testing. Allele origin: maternal. Affected: yes. Observed: 1 compound heterozygote.
Comment: The deletion of the 6bp leads to the loss of two over highly conserved amino acids across many species Serine 2737 and leucine 2738 and the sense-altering variant at position 6950970 leads to the exchange of the also highly conserved amino acid over many species Lysine to aspartic acid at position 2736 in LAMA1. Bioinformatic prediction programs like Mutation Probe and GERP classify this variant as pathogenic one. According to ACMG guidelines, c.8208_8214insT is expressed in LAMA1 is classified as probably pathogenic. Classification according to ACMG guidelines of c.8208_8214insT in LAMA1: probably pathogenic - PM1: The variant is located in a mutation hotspot - PM2: The variant was not found in population genetic studies (such as GnomAD, Iranome, GME, 1kGP, etc.) observed. - PM3: In the recessively inherited Poretti-Boltshauser syndrome this variant is in trans with a pathogenic variant (c.8556+1G>A). - PM4: The protein length changes due to deletion in a non-repetitive region of LAMA1. - PP3: Bioinformatic prediction programs such as GERP and Mutation Scanner classify this variant as pathogenic.